The following is an entry in ClinVar:

ClinVar aggregate classification (germline): Likely benign. Review status: criteria provided, multiple submitters, no conflicts (2 of 4 stars). 2 submissions from 2 submitters: Likely benign (2). Last evaluated 2025-01-23.

Allele frequency attached by ClinVar (database versions not stated): gnomAD exomes 0.00003; TOPMed 0.00003; gnomAD 0.00005.
gnomAD v4.1: 76 of 1,516,030 alleles (0.005%); highest among the groups gnomAD compares: Non-Finnish European, 0.0063%; 1 homozygote.

Submissions (2):

Labcorp Genetics (formerly Invitae), Labcorp
Classification: Likely benign. Last evaluated: 2025-01-23. Review status: criteria provided, single submitter. Criteria: Invitae Variant Classification Sherloc (09022015). Collection method: clinical testing. Allele origin: germline.

GeneDx
Classification: Likely benign. Last evaluated: 2018-02-08. Review status: criteria provided, single submitter. Criteria: GeneDx Variant Classification (06012015). Collection method: clinical testing. Allele origin: germline. Affected: yes.
Comment: This variant is considered likely benign or benign based on one or more of the following criteria: it is a conservative change, it occurs at a poorly conserved position in the protein, it is predicted to be benign by multiple in silico algorithms, and/or has population frequency not consistent with disease.

NM_001292063.2(OTOG):c.2293+8C>T

Gene: OTOG (otogelin; plus strand). Cytogenetic location: 11p15.1.
Variant type: single nucleotide variant.
Coding change: c.2293+8C>T on transcript NM_001292063.2 (MANE Select); 8 bases into the intron after coding-DNA position 2293, C replaced by T.
Molecular consequence: intron variant.
Genome position (GRCh38, 1-based): chr11:17,573,298, C>T. VCF-style: chr11-17573298-C-T. GRCh37 (hg19) VCF-style: chr11-17594845-C-T.
Other names: c.2329+8C>T (NM_001277269.2).
Identifiers: ClinVar variation 515263 (VCV000515263.5), dbSNP rs1027542414, ClinGen allele CA218451784.